The following is an entry in ClinVar:

NM_001348716.2(KDM6B):c.3634A>G (p.Ile1212Val)

Gene: KDM6B (lysine demethylase 6B; plus strand). Cytogenetic location: 17p13.1.
Variant type: single nucleotide variant.
Coding change: c.3634A>G on transcript NM_001348716.2 (MANE Select); coding-DNA position 3634, A replaced by G.
Protein change: p.Ile1212Val; replaces isoleucine 1212 with valine.
Molecular consequence: missense variant.
Genome position (GRCh38, 1-based): chr17:7,850,138, A>G. VCF-style: chr17-7850138-A-G. GRCh37 (hg19) VCF-style: chr17-7753456-A-G.
Other names: c.3634A>G, p.Ile1212Val (NM_001080424.2); short protein forms I1212V.
Identifiers: ClinVar variation 3372135 (VCV003372135.1).

ClinVar aggregate classification (germline): Uncertain significance (1 of 4 stars; one submission).

Submission:

GeneDx
Classification: Uncertain significance. Last evaluated: 2024-04-25. Review status: criteria provided, single submitter. Criteria: GeneDx Variant Classification Process June 2021. Collection method: clinical testing. Allele origin: germline. Affected: yes.
Comment: Not observed at significant frequency in large population cohorts (gnomAD); In silico analysis indicates that this missense variant does not alter protein structure/function; Has not been previously published as pathogenic or benign to our knowledge